The following continues an entry in ClinVar:

NM_000059.4(BRCA2):c.7507G>A (p.Val2503Ile)

Gene: BRCA2. ClinVar aggregate classification (germline): Conflicting classifications of pathogenicity. Uncertain significance (12); Likely benign (3).

Submissions 10 to 19 of 19:

Laboratorio de Genetica e Diagnostico Molecular, Hospital Israelita Albert Einstein
Classification: Uncertain significance for Breast-ovarian cancer, familial, susceptibility to, 2. Last evaluated: 2023-02-10. Review status: criteria provided, single submitter. Criteria: ACMG Guidelines, 2015. Collection method: clinical testing. Allele origin: germline. Affected: yes. Observed: 1 variant allele.
Comment: ACMG classification criteria: PM2 supporting, BP4 supporting

Mendelics
Classification: Uncertain significance. Last evaluated: 2022-05-04. Review status: criteria provided, single submitter. Criteria: Mendelics Assertion Criteria 2019. Collection method: clinical testing. Allele origin: germline.

Sema4
Classification: Uncertain significance for Hereditary cancer-predisposing syndrome. Last evaluated: 2021-07-03. Review status: criteria provided, single submitter. Criteria: Sema4 Curation Guidelines. Collection method: curation. Allele origin: germline.
Comment: The BRCA2 c.7507G>A (p.V2503I) variant has been reported in heterozygosity in numerous individuals with breast and ovarian cancer (PMID: 22034289, 25802882, 27741520, 29088781, 30287823). It has also been seen in individuals with pancreatic cancer, biliary tract cancer, and thyroid cancer (PMID: 32980694, 31666926, 26530882) as well as healthy controls (PMID: 30287823, 32467295). It was observed in 1/16254 chromosomes of the African/African American subpopulation in the large and broad cohorts of the Genome Aggregation Database. The variant has been reported in ClinVar (Variation ID 142036). In silico tools suggest the impact of the variant on protein function is inconclusive, though these predictions have not been confirmed by functional studies. The evidence is insufficient to meet ACMG/AMP criteria for classifying the variant as benign or pathogenic. Thus, the clinical significance of this variant is currently uncertain.

GeneDx
Classification: Uncertain significance. Last evaluated: 2019-09-23. Review status: criteria provided, single submitter. Criteria: GeneDx Variant Classification Process June 2021. Collection method: clinical testing. Allele origin: germline. Affected: yes.
Comment: Observed in individuals with a personal or family history including breast, pancreatic, and other cancers (Fackenthal 2012, Hirotsu 2015, Yu 2015, Fernandes 2016, Alvarez 2017, Kondo 2018); Not observed at a significant frequency in large population cohorts (Lek 2016); In silico analysis, which includes protein predictors and evolutionary conservation, supports that this variant does not alter protein structure/function; Also known as 7735G>A; This variant is associated with the following publications: (PMID: 22034289, 25802882, 26530882, 27741520, 28422758, 29088781, 29731985)

Ambry Genetics
Classification: Likely benign for Hereditary cancer-predisposing syndrome. Last evaluated: 2019-02-15. Review status: criteria provided, single submitter. Criteria: Ambry Variant Classification Scheme 2023. Collection method: clinical testing. Allele origin: germline.

Women's Health and Genetics/Laboratory Corporation of America, LabCorp
Classification: Uncertain significance. Last evaluated: 2018-02-16. Review status: criteria provided, single submitter. Criteria: LabCorp Variant Classification Summary - May 2015. Collection method: clinical testing. Allele origin: germline.
Comment: Variant summary: BRCA2 c.7507G>A (p.Val2503Ile) results in a conservative amino acid change located in the helical domain (IPR015252, InterPro), that belongs to the BRCA2 DNA-binding domain. Five of five in-silico tools predict a benign effect of the variant on protein function. The variant allele was found at a frequency of 4.1e-06 in 246186 control chromosomes. The available data on variant occurrences in the general population are insufficient to allow any conclusion about variant significance. The c.7507G>A variant has been reported in the literature in individuals affected with HBOC and non-medullary thyroid cancer (Hirotsu 2014, Fackenthal 2012, Fernandes 2016, Alvarez 2017), however these report(s) do not provide unequivocal conclusions about association of the variant with HBOC. To our knowledge, no experimental evidence demonstrating an impact on protein function has been reported. Three clinical diagnostic laboratories have submitted clinical-significance assessments for this variant to ClinVar after 2014 without evidence for independent evaluation. All laboratories classified the variant as uncertain significance. Based on the evidence outlined above, the variant was classified as uncertain significance.

Counsyl
Classification: Uncertain significance for Breast-ovarian cancer, familial, susceptibility to, 2. Last evaluated: 2018-01-10. Review status: no assertion criteria provided. Collection method: clinical testing. Allele origin: unknown. Not counted in ClinVar's aggregate classification.

Clinical Genetics Laboratory, Department of Pathology, Netherlands Cancer Institute
Classification: Likely benign. Review status: no assertion criteria provided. Collection method: clinical testing. Allele origin: germline. Affected: yes. Study: VKGL Data-share Consensus. Not counted in ClinVar's aggregate classification.

Diagnostic Laboratory, Department of Genetics, University Medical Center Groningen
Classification: Likely benign. Review status: no assertion criteria provided. Collection method: clinical testing. Allele origin: germline. Affected: yes. Study: VKGL Data-share Consensus. Not counted in ClinVar's aggregate classification.

Joint Genome Diagnostic Labs from Nijmegen and Maastricht, Radboudumc and MUMC+
Classification: Likely benign. Review status: no assertion criteria provided. Collection method: clinical testing. Allele origin: germline. Affected: yes. Study: VKGL Data-share Consensus. Not counted in ClinVar's aggregate classification.

Literature cited by the submitters: PubMed 22034289 (cited by 7 submitters); PubMed 25802882 (cited by 7 submitters); PubMed 26530882 (cited by 7 submitters); PubMed 27741520 (cited by 7 submitters); PubMed 29088781 (cited by 7 submitters); PubMed 30287823 (cited by 6 submitters); PubMed 32980694 (cited by 5 submitters); PubMed 37731132 (cited by Labcorp Genetics (formerly Invitae), Labcorp and Quest Diagnostics Nichols Institute San Juan Capistrano); PubMed 25348012 (cited by Quest Diagnostics Nichols Institute San Juan Capistrano and Women's Health and Genetics/Laboratory Corporation of America, LabCorp); PubMed 31214711 (cited by Quest Diagnostics Nichols Institute San Juan Capistrano and All of Us Research Program, National Institutes of Health); PubMed 31666926 (cited by 3 submitters); PubMed 36243179 (cited by Quest Diagnostics Nichols Institute San Juan Capistrano); PubMed 2204289 (cited by Department of Pathology and Laboratory Medicine, Sinai Health System); PubMed 32467295 (cited by Sema4).